The following is an entry in ClinVar:

ClinVar aggregate classification (germline): Pathogenic/Likely pathogenic. Review status: criteria provided, multiple submitters, no conflicts (2 of 4 stars). 9 submissions from 9 submitters: Pathogenic (2); Likely pathogenic (5). 2 of the submissions do not count toward it. Last evaluated 2026-06-11.

Conditions:
COL7A1-related disorder. Also called: COL7A1- related disorders; COL7A1-related condition.
Pretibial dystrophic epidermolysis bullosa. Also called: Pretibial epidermolysis bullosa; EPIDERMOLYSIS BULLOSA DYSTROPHICA, PRETIBIAL; Pretibial blistering. Identifiers: Orphanet 79410, MedGen C0432321, MONDO:0007552, OMIM 131850, HP:0012221.
Recessive dystrophic epidermolysis bullosa (RDEB). Also called: DYSTROPHIC EPIDERMOLYSIS BULLOSA, AUTOSOMAL RECESSIVE; EPIDERMOLYSIS BULLOSA DYSTROPHICA, HALLOPEAU-SIEMENS TYPE; epidermolysis bullosa dystrophica, autosomal recessive; Hallopeau-Siemens Disease; severe generalized recessive dystrophic epidermolysis bullosa; EPIDERMOLYSIS BULLOSA DYSTROPHICA, GENERALIZED SEVERE, AUTOSOMAL RECESSIVE. Identifiers: Orphanet 79408, Orphanet 79409, MedGen C0079474, MONDO:0009179, OMIM 226600.
Epidermolysis bullosa pruriginosa. Also called: DEB, PRURIGINOSA; DYSTROPHIC EPIDERMOLYSIS BULLOSA PRURIGINOSA. Identifiers: Orphanet 89843, MedGen C1275114, MONDO:0011398, OMIM 604129.
Transient bullous dermolysis of the newborn (TBDN). Also called: DYSTROPHIC EPIDERMOLYSIS BULLOSA, NEONATAL; EPIDERMOLYSIS BULLOSA DYSTROPHICA, NEONATAL FORM. Identifiers: Orphanet 79411, MedGen C1851573, MONDO:0007548, OMIM 131705.
Dominant dystrophic epidermolysis bullosa with absence of skin. Also called: EPIDERMOLYSIS BULLOSA DYSTROPHICA, BART TYPE; EPIDERMOLYSIS BULLOSA WITH CONGENITAL LOCALIZED ABSENCE OF SKIN AND DEFORMITY OF NAILS. Identifiers: MedGen C0268371, MONDO:0007557, OMIM 132000.
Generalized dominant dystrophic epidermolysis bullosa (DDEB). Also called: DDEB-gen; DYSTROPHIC EPIDERMOLYSIS BULLOSA, AUTOSOMAL DOMINANT; Epidermolysis bullosa dystrophica, autosomal dominant; Dominant DEB (DDEB); DDEB, generalized. Identifiers: Orphanet 231568, MedGen C0432322, MONDO:0007549, OMIM 131750.
Nonsyndromic congenital nail disorder 8. Also called: TOENAIL DYSTROPHY, ISOLATED. Identifiers: MedGen C1843761, MONDO:0011852, OMIM 607523.
Epidermolysis bullosa dystrophica. Also called: Dystrophic epidermolysis bullosa; Dystrophic epidermolysis bullosa, Hallopeau-Siemens type (formerly). Identifiers: Orphanet 303, MedGen C0079294, MONDO:0006543.
Epidermolysis bullosa, pretibial, autosomal recessive. Identifiers: MedGen C4015945.

Allele frequency attached by ClinVar (database versions not stated): gnomAD 0.00001; TOPMed 0.00001; gnomAD exomes 0.00002; ExAC 0.00004; 1000 Genomes Project 30x 0.00016; 1000 Genomes Project 0.00020.
gnomAD v4.1: 25 of 1,610,060 alleles (0.0016%); highest among the groups gnomAD compares: Middle Eastern, 0.017%; no homozygotes.

Submissions (9):

Women's Health and Genetics/Laboratory Corporation of America, LabCorp
Classification: Likely pathogenic for Recessive dystrophic epidermolysis bullosa. Last evaluated: 2026-06-11. Review status: criteria provided, single submitter. Criteria: LabCorp Variant Classification Summary - May 2015. Collection method: clinical testing. Allele origin: germline.
Comment: Variant summary: COL7A1 c.5096C>T (p.Pro1699Leu) results in a non-conservative amino acid change in the encoded protein sequence near a canonical splice site.. Algorithms developed to predict the effect of missense changes on protein structure and function all suggest that this variant is likely to be disruptive. Consensus agreement among computation tools predict no significant impact on normal splicing. However, these predictions have yet to be confirmed by functional studies. The variant allele was found at a frequency of 2.1e-05 in 242372 control chromosomes. c.5096C>T has been observed in the compound heterozygous state in individuals affected with autosomal recessive dystrophic epidermolysis bullosa (Gardella_2002, Diociaiuti_2016). These data indicate that the variant is likely associated with disease. To our knowledge, no experimental evidence demonstrating an impact on protein function has been reported. The following publications have been ascertained in the context of this evaluation (PMID: 26864810, 12485454, 40970248, 33274474). ClinVar contains an entry for this variant (Variation ID: 17451). To our knowledge, this variant has not been reported in individuals with autosomal dominant dystrophic epidermolysis bullosa. Based on the evidence outlined above, the variant was classified as likely pathogenic for autosomal recessive dystrophic epidermolysis bullosa.

Labcorp Genetics (formerly Invitae), Labcorp
Classification: Likely pathogenic. Last evaluated: 2026-02-01. Review status: criteria provided, single submitter. Criteria: Invitae Variant Classification Sherloc (09022015). Collection method: clinical testing. Allele origin: germline.
Comment: This sequence change replaces proline, which is neutral and non-polar, with leucine, which is neutral and non-polar, at codon 1699 of the COL7A1 protein (p.Pro1699Leu). The frequency data for this variant in the population databases is considered unreliable, as metrics indicate poor data quality at this position in the gnomAD database. This missense change has been observed in individual(s) with autosomal recessive COL7A1-related conditions (PMID: 12485454, 26864810). In at least one individual the data is consistent with being in trans (on the opposite chromosome) from a pathogenic variant. ClinVar contains an entry for this variant (Variation ID: 17451). Invitae Evidence Modeling of protein sequence and biophysical properties (such as structural, functional, and spatial information, amino acid conservation, physicochemical variation, residue mobility, and thermodynamic stability) indicates that this missense variant is not expected to disrupt COL7A1 protein function with a negative predictive value of 95%. In summary, the currently available evidence indicates that the variant is pathogenic, but additional data are needed to prove that conclusively. Therefore, this variant has been classified as Likely Pathogenic.

Natera, Inc.
Classification: Likely pathogenic for Dystrophic epidermolysis bullosa. Last evaluated: 2025-10-27. Review status: criteria provided, single submitter. Criteria: Natera Variant Classification Schema (03/2026). Collection method: clinical testing. Allele origin: germline.
Comment: The c.5096C>T variant in COL7A1 is a missense variant predicted to cause substitution of proline to leucine at amino acid 1699. This variant is rare in the general population with a frequency below the threshold expected for the associated phenotype(s). This variant has been observed in one or more individuals affected with the associated recessive disease, as either homozygous or compound heterozygous with a second variant (PMID: 12485454, 33274474). This variant has been identified in one or more affected individual with a phenotype highly consistent with the associated gene (PMID: 33274474). Computational prediction algorithms indicate this variant is likely to affect gene or protein function. Given the available evidence, this variant is classified as Likely Pathogenic.

Genomic Medicine Center of Excellence, King Faisal Specialist Hospital and Research Centre
Classification: Likely pathogenic for Recessive dystrophic epidermolysis bullosa. Last evaluated: 2025-09-10. Review status: criteria provided, single submitter. Criteria: ACMG Guidelines, 2015. Collection method: clinical testing. Allele origin: germline.

Fulgent Genetics
Classification: Likely pathogenic for Transient bullous dermolysis of the newborn; Generalized dominant dystrophic epidermolysis bullosa; Pretibial dystrophic epidermolysis bullosa; Dominant dystrophic epidermolysis bullosa with absence of skin; Recessive dystrophic epidermolysis bullosa; Epidermolysis bullosa pruriginosa; Nonsyndromic congenital nail disorder 8. Last evaluated: 2024-04-03. Review status: criteria provided, single submitter. Criteria: ACMG Guidelines, 2015. Collection method: clinical testing. Allele origin: germline.

Blueprint Genetics
Classification: Pathogenic for COL7A1-related disorders. Last evaluated: 2022-03-31. Review status: criteria provided, single submitter. Criteria: ACMG Guidelines, 2015. Collection method: clinical testing. Allele origin: germline. Affected: yes. Observed: 4 variant alleles.

Biomedical Innovation Departament, CIEMAT
Classification: Pathogenic for Dystrophic epidermolysis bullosa. Last evaluated: 2018-03-26. Review status: criteria provided, single submitter. Criteria: ACMG Guidelines, 2015. Collection method: research. Allele origin: germline. Affected: yes. Observed: 1 variant allele.

OMIM
Classification: Pathogenic for EPIDERMOLYSIS BULLOSA, PRETIBIAL, AUTOSOMAL RECESSIVE. Last evaluated: 2002-12-01. Review status: no assertion criteria provided. Collection method: literature only. Allele origin: germline. Not counted in ClinVar's aggregate classification.

Department of Pathology and Laboratory Medicine, Sinai Health System
Classification: Uncertain significance. Review status: no assertion criteria provided. Collection method: clinical testing. Allele origin: unknown. Affected: yes. Study: The Canadian Open Genetics Repository (COGR). Not counted in ClinVar's aggregate classification.
Comment: The COL7A1 p.P1699L variant was identified in the literature in a compound heterozygous individual with Dystrophic Epidermolysis Bullosa and a compound heterozygous individual with Aplasia Cutis Congenita in Bullous Dermolysis Gardella_2002_PMID:12485454; Diociaiuti_2016_PMID:26864810). The variant was identified in dbSNP (ID: rs121912845) and ClinVar (classified as pathogenic by OMIM). The variant was identified in control databases in 6 of 273692 chromosomes at a frequency of 0.00002192 (Genome Aggregation Database March 6, 2019, v2.1.1). The p.P1699 residue is conserved in mammals and computational analyses (MUT Assesor, SIFT, MutationTaster, Revel, FATHMM, MetaLR, DANN) suggest that the variant may impact the protein; however, this information is not predictive enough to assume pathogenicity. The variant occurs outside of the splicing consensus sequence and in silico or computational prediction software programs (Splice AI exome) do not predict a difference in splicing. In summary, based on the above information the clinical significance of this variant cannot be determined with certainty at this time. This variant is classified as a variant of uncertain significance.

Literature cited by the submitters: PubMed 33274474 (cited by Women's Health and Genetics/Laboratory Corporation of America, LabCorp and Natera, Inc.); PubMed 12485454 (cited by 5 submitters); PubMed 26864810 (cited by Women's Health and Genetics/Laboratory Corporation of America, LabCorp and Labcorp Genetics (formerly Invitae), Labcorp); PubMed 40970248 (cited by Women's Health and Genetics/Laboratory Corporation of America, LabCorp).

NM_000094.4(COL7A1):c.5096C>T (p.Pro1699Leu)

Gene: COL7A1 (collagen type VII alpha 1 chain; minus strand). Cytogenetic location: 3p21.31.
Variant type: single nucleotide variant.
Coding change: c.5096C>T on transcript NM_000094.4 (MANE Select); coding-DNA position 5096, C replaced by T.
Protein change: p.Pro1699Leu; replaces proline 1699 with leucine.
Molecular consequence: missense variant.
Genome position (GRCh38, 1-based): chr3:48,580,301, G>A on the plus strand (C>T on the coding strand, the complement: COL7A1 is on the minus strand). VCF-style: chr3-48580301-G-A. GRCh37 (hg19) VCF-style: chr3-48617734-G-A.
Other names: c.5096C>T (NM_000094.3); short protein forms P1699L.
Identifiers: ClinVar variation 17451 (VCV000017451.13), dbSNP rs121912845, ClinGen allele CA127196.
Genomic context (GRCh38, chr3:48,580,301, plus strand): 5'-GGCAGCAGCGCCAGGGGACCCTCCATCCCTTCTGAGCCCAGGACACCAGCCCTACTCACC[G>A]GCTCCCCACGGTCACCCTTGGGTCCAGATGATCCAGGGCTGCCCTGCAGAAAGGCAGGGG-3'
Protein context (NP_000085.1, residues 1689-1709): SSGPKGDRGE[Pro1699Leu]GPPGPPGRLV